The following is an entry in ClinVar:

NM_000368.5(TSC1):c.1297C>T (p.His433Tyr)

Gene: TSC1 (TSC complex subunit 1; minus strand). Cytogenetic location: 9q34.13.
Variant type: single nucleotide variant.
Coding change: c.1297C>T on transcript NM_000368.5 (MANE Select); coding-DNA position 1297, C replaced by T.
Protein change: p.His433Tyr; replaces histidine 433 with tyrosine.
Molecular consequence: missense variant.
Genome position (GRCh38, 1-based): chr9:132,907,337, G>A on the plus strand (C>T on the coding strand, the complement: TSC1 is on the minus strand). VCF-style: chr9-132907337-G-A. GRCh37 (hg19) VCF-style: chr9-135782724-G-A.
Other names: c.1141C>T, p.His381Tyr (NM_001406613.1, NM_001406611.1, NM_001406612.1); c.934C>T, p.His312Tyr (NM_001406614.1, NM_001406615.1, NM_001406616.1 and 5 more transcripts); c.931C>T, p.His311Tyr (NM_001406620.1, NM_001406621.1, NM_001406622.1 and 2 more transcripts); c.1294C>T, p.His432Tyr (NM_001162426.2, NM_001406597.1, NM_001406598.1 and 6 more transcripts); c.1144C>T, p.His382Tyr (NM_001162427.2, NM_001406610.1); c.1297C>T, p.His433Tyr (NM_001406592.1, NM_001406593.1, NM_001406594.1 and 7 more transcripts); c.346C>T, p.His116Tyr (NM_001406626.1); c.343C>T, p.His115Tyr (NM_001406627.1, NM_001406628.1); and 1 more; short protein forms H116Y, H312Y, H433Y, H381Y, H432Y, H311Y, H382Y, H115Y.
Identifiers: ClinVar variation 2114243 (VCV002114243.4), dbSNP rs2131881024, ClinGen allele CA375366155.

ClinVar aggregate classification (germline): Uncertain significance (1 of 4 stars; one submission).

Conditions:
Tuberous sclerosis 1 (TSC1). Identifiers: Orphanet 805, MedGen C1854465, MONDO:0008612, OMIM 191100.

Submission:

Labcorp Genetics (formerly Invitae), Labcorp
Classification: Uncertain significance for Tuberous sclerosis 1. Last evaluated: 2022-03-19. Review status: criteria provided, single submitter. Criteria: Invitae Variant Classification Sherloc (09022015). Collection method: clinical testing. Allele origin: germline.
Comment: This sequence change replaces histidine, which is basic and polar, with tyrosine, which is neutral and polar, at codon 433 of the TSC1 protein (p.His433Tyr). This variant is not present in population databases (gnomAD no frequency). In summary, the available evidence is currently insufficient to determine the role of this variant in disease. Therefore, it has been classified as a Variant of Uncertain Significance. Algorithms developed to predict the effect of missense changes on protein structure and function (SIFT, PolyPhen-2, Align-GVGD) all suggest that this variant is likely to be tolerated. This variant has not been reported in the literature in individuals affected with TSC1-related conditions.